The following is an entry in ClinVar:

ClinVar aggregate classification (germline): Uncertain significance (1 of 4 stars; one submission).

Conditions:
PGM1-congenital disorder of glycosylation. Also called: Congenital disorder of glycosylation type 1t; PHOSPHOGLUCOMUTASE 1 DEFICIENCY; PGM1 DEFICIENCY; GLYCOGEN STORAGE DISEASE XIV; GSD XIV; CDG It. Identifiers: Orphanet 319646, MedGen C2752015, MONDO:0013968, OMIM 614921.

gnomAD v4.1: 2 of 1,601,528 alleles (0.00012%); highest among the groups gnomAD compares: Non-Finnish European, 0.00017%; no homozygotes.

Submission:

Labcorp Genetics (formerly Invitae), Labcorp
Classification: Uncertain significance for PGM1-congenital disorder of glycosylation. Last evaluated: 2021-10-18. Review status: criteria provided, single submitter. Criteria: Invitae Variant Classification Sherloc (09022015). Collection method: clinical testing. Allele origin: germline.
Comment: In summary, the available evidence is currently insufficient to determine the role of this variant in disease. Therefore, it has been classified as a Variant of Uncertain Significance. Algorithms developed to predict the effect of missense changes on protein structure and function (SIFT, PolyPhen-2, Align-GVGD) all suggest that this variant is likely to be tolerated. This variant has not been reported in the literature in individuals affected with PGM1-related conditions. This variant is not present in population databases (ExAC no frequency). This sequence change replaces glutamine with histidine at codon 72 of the PGM1 protein (p.Gln72His). The glutamine residue is moderately conserved and there is a small physicochemical difference between glutamine and histidine.

NM_002633.3(PGM1):c.216G>C (p.Gln72His)

Gene: PGM1 (phosphoglucomutase 1; plus strand). Cytogenetic location: 1p31.3.
Variant type: single nucleotide variant.
Coding change: c.216G>C on transcript NM_002633.3 (MANE Select); coding-DNA position 216, G replaced by C.
Protein change: p.Gln72His; replaces glutamine 72 with histidine.
Molecular consequence: missense variant.
Genome position (GRCh38, 1-based): chr1:63,593,704, G>C. VCF-style: chr1-63593704-G-C. GRCh37 (hg19) VCF-style: chr1-64059375-G-C.
Other names: short protein forms Q72H.
Identifiers: ClinVar variation 1401026 (VCV001401026.6), dbSNP rs1280037054, ClinGen allele CA340639346.
Genomic context (GRCh38, chr1:63,593,704, plus strand): 5'-GCAGGAGGCCACGCTGGTGGTGGGCGGGGACGGCCGGTTCTACATGAAGGAGGCCATCCA[G>C]CTCATCGCTCGCATCGCTGCCGCCAACGGGGTAAGGGATGCGCGGCCCCGCGCCGCTGTG-3'
Protein context (NP_002624.2, residues 62-82): DGRFYMKEAI[Gln72His]LIARIAAANG